The following is an entry in ClinVar:

ClinVar aggregate classification (germline): Uncertain significance (1 of 4 stars; one submission).

gnomAD v4.1: 2 of 1,210,513 alleles (0.00017%); highest among the groups gnomAD compares: Non-Finnish European, 0.00022%; no homozygotes.

Submission:

GeneDx
Classification: Uncertain significance. Last evaluated: 2024-09-16. Review status: criteria provided, single submitter. Criteria: GeneDx Variant Classification Process June 2021. Collection method: clinical testing. Allele origin: germline. Affected: yes.
Comment: In silico analysis indicates that this missense variant does not alter protein structure/function; Not observed at significant frequency in large population cohorts (gnomAD); Has not been previously published as pathogenic or benign to our knowledge

NM_002025.4(AFF2):c.26A>G (p.Asp9Gly)

Gene: AFF2 (ALF transcription elongation factor 2; plus strand). Cytogenetic location: Xq28.
Variant type: single nucleotide variant.
Coding change: c.26A>G on transcript NM_002025.4 (MANE Select); coding-DNA position 26, A replaced by G.
Protein change: p.Asp9Gly; replaces aspartic acid 9 with glycine.
Molecular consequence: missense variant.
Genome position (GRCh38, 1-based): chrX:148,501,123, A>G. VCF-style: chrX-148501123-A-G. GRCh37 (hg19) VCF-style: chrX-147582643-A-G.
Other names: c.26A>G, p.Asp9Gly (NM_001169122.2, NM_001169123.2, NM_001169124.2 and 1 more transcripts); short protein forms D9G.
Identifiers: ClinVar variation 3769678 (VCV003769678.1).